The following is an entry in ClinVar:

ClinVar aggregate classification (germline): other (0 of 4 stars; one submission).

Conditions:
Familial colorectal cancer. Identifiers: MedGen CN280943, MONDO:0023113. Disease mechanism: loss of function.

Allele frequency attached by ClinVar (database versions not stated): TOPMed 0.06295; 1000 Genomes Project 30x 0.09541; 1000 Genomes Project 0.09784; gnomAD 0.05595 and 0.05705.
gnomAD v4.1: 8,657 of 152,256 alleles (5.7%); highest among the groups gnomAD compares: East Asian, 15%; 467 homozygotes.

Submission:

Systems Biology Platform Zhejiang California International NanoSystems Institute
Classification: other for Familial colorectal cancer. Review status: no assertion criteria provided. Collection method: not provided. Allele origin: unknown.
ClinVar note: Converted during submission from cancer to other.

NM_000038.6(APC):c.934-906T>C

Gene: APC (APC regulator of WNT signaling pathway; plus strand). Cytogenetic location: 5q22.2.
Variant type: single nucleotide variant.
Coding change: c.934-906T>C on transcript NM_000038.6 (MANE Select); 906 bases into the intron before coding-DNA position 934, T replaced by C.
Molecular consequence: intron variant.
Genome position (GRCh38, 1-based): chr5:112,818,060, T>C. VCF-style: chr5-112818060-T-C. GRCh37 (hg19) VCF-style: chr5-112153757-T-C.
Other names: c.934-906T>C (NM_001354895.2, NM_001127510.3, NM_001354896.2); c.964-906T>C (NM_001354897.2); c.964-1209T>C (NM_001354902.2); c.880-906T>C (NM_001127511.3); c.859-906T>C (NM_001354898.2); c.859-1209T>C (NM_001354904.2); c.85-906T>C (NM_001354906.2); c.934-1209T>C (NM_001354903.2); and 3 more.
Identifiers: ClinVar variation 83115 (VCV000083115.2), dbSNP rs78751466, ClinGen allele CA015962.
Genomic context (GRCh38, chr5:112,818,060, plus strand): 5'-GGCTGGATAATTCTTTGTTGCATTCTAGAATGTATAGTAACGTCCCTGGTCTCTCCCCAC[T>C]AGATTCCCCTAAAATACCCATCCTACAATTGTGACAACCAAAAATGTCTCCAAGATGTTG-3'